The following is an entry in ClinVar:

ClinVar aggregate classification (germline): Uncertain significance. Review status: criteria provided, multiple submitters, no conflicts (2 of 4 stars). 3 submissions from 3 submitters: Uncertain significance (3). Last evaluated 2026-07-16.

Conditions:
Hereditary cancer-predisposing syndrome. Also called: Tumor predisposition; Hereditary Cancer Syndrome; Hereditary neoplastic syndrome; Neoplastic Syndromes, Hereditary. Identifiers: Orphanet 140162, MedGen C0027672, MeSH D009386, MONDO:0015356.

Submissions (3):

Ambry Genetics
Classification: Uncertain significance for Hereditary cancer-predisposing syndrome. Last evaluated: 2026-07-16. Review status: criteria provided, single submitter. Criteria: Ambry Variant Classification Scheme 2023. Collection method: clinical testing. Allele origin: germline.
Comment: The p.E1767K variant (also known as c.5299G>A), located in coding exon 39 of the POLE gene, results from a G to A substitution at nucleotide position 5299. The glutamic acid at codon 1767 is replaced by lysine, an amino acid with similar properties. This amino acid position is highly conserved in available vertebrate species. In addition, the in silico prediction for this alteration is inconclusive. Based on the available evidence, the clinical significance of this variant remains unclear.

Dasa
Classification: Uncertain significance. Last evaluated: 2025-04-17. Review status: criteria provided, single submitter. Criteria: DASA Assertion Criteria. Collection method: clinical testing. Allele origin: germline.
Comment: NM_006231.4(POLE):c.5299G>A (p.Glu1767Lys) is a missense variant that results in the substitution of glutamic acid with lysine. This variant is rare in population databases. Computational prediction algorithms are consistent with a benign effect. The currently available literature and clinical evidence are not sufficient to establish a definitive association between this variant and the reported condition. Therefore, this variant is classified as a variant of uncertain significance.

Labcorp Genetics (formerly Invitae), Labcorp
Classification: Uncertain significance. Last evaluated: 2024-05-15. Review status: criteria provided, single submitter. Criteria: Invitae Variant Classification Sherloc (09022015). Collection method: clinical testing. Allele origin: germline.
Comment: This sequence change replaces glutamic acid, which is acidic and polar, with lysine, which is basic and polar, at codon 1767 of the POLE protein (p.Glu1767Lys). This variant is not present in population databases (gnomAD no frequency). This variant has not been reported in the literature in individuals affected with POLE-related conditions. ClinVar contains an entry for this variant (Variation ID: 2102452). An algorithm developed to predict the effect of missense changes on protein structure and function (PolyPhen-2) suggests that this variant is likely to be tolerated. In summary, the available evidence is currently insufficient to determine the role of this variant in disease. Therefore, it has been classified as a Variant of Uncertain Significance.

NM_006231.4(POLE):c.5299G>A (p.Glu1767Lys)

Gene: POLE (DNA polymerase epsilon, catalytic subunit; minus strand). Cytogenetic location: 12q24.33.
Variant type: single nucleotide variant.
Coding change: c.5299G>A on transcript NM_006231.4 (MANE Select); coding-DNA position 5299, G replaced by A.
Protein change: p.Glu1767Lys; replaces glutamic acid 1767 with lysine.
Molecular consequence: missense variant.
Genome position (GRCh38, 1-based): chr12:132,641,726, C>T on the plus strand (G>A on the coding strand, the complement: POLE is on the minus strand). VCF-style: chr12-132641726-C-T. GRCh37 (hg19) VCF-style: chr12-133218312-C-T.
Other names: c.5299G>A (NM_006231.2); short protein forms E1767K.
Identifiers: ClinVar variation 2102452 (VCV002102452.7), dbSNP rs915396081, ClinGen allele CA246302727.